The following is an entry in ClinVar:

NM_001165963.4(SCN1A):c.4554del (p.Lys1518fs)

Genes: SCN1A (sodium voltage-gated channel alpha subunit 1; minus strand), LOC102724058 (uncharacterized LOC102724058; plus strand). Cytogenetic location: 2q24.3.
Variant type: Deletion.
Coding change: c.4554del on transcript NM_001165963.4 (MANE Select); coding-DNA position 4554, one base deleted (A; older notation c.4554delA).
Protein change: p.Lys1518fs; shifts the reading frame from lysine 1518.
Molecular consequence: frameshift variant. On other transcripts: non-coding transcript variant (1).
Genome position (GRCh38, 1-based): chr2:165,996,040, T deleted on the plus strand (A on the coding strand, the reverse complement: SCN1A is on the minus strand); the first of 6 consecutive T bases (chr2:165,996,040-165,996,045); deleting any one gives the same sequence. VCF-style (leftmost placement, unchanged base first): chr2-165996039-GT-G. GRCh37 (hg19) VCF-style: chr2-166852549-GT-G.
Other names: c.4554del (NM_001165963.1); c.4470del, p.Lys1490fs (NM_001165964.3, NM_001353957.2, NM_001353958.2); c.4554del, p.Lys1518fs (NM_001202435.3, NM_001353948.2); c.4521del, p.Lys1507fs (NM_001353949.2, NM_001353950.2, NM_001353951.2 and 2 more transcripts); c.4518del, p.Lys1506fs (NM_001353954.2, NM_001353955.2); c.4467del, p.Lys1489fs (NM_001353960.2); c.2112del, p.Lys704fs (NM_001353961.2); short protein forms K1489fs, K1506fs, K704fs, K1490fs, K1507fs, K1518fs.
Identifiers: ClinVar variation 189994 (VCV000189994.10), dbSNP rs794726825, ClinGen allele CA303504.
Genomic context (GRCh38, chr2:165,996,039, plus strand): 5'-GTATTTTTCCCCCATATCATTTGATACTTCTTACTCCTGGTCGAGGTATAGGCTTTTGCG[GT>G]TTTTTCGATCCTAATTTTTTCATTGCATTATAGTATTTCTTCTGTTCTTCTGTCATAAAG-3'

ClinVar aggregate classification (germline): Pathogenic. Review status: criteria provided, multiple submitters, no conflicts (2 of 4 stars). 2 submissions from 2 submitters: Pathogenic (2). Last evaluated 2023-03-04.

Conditions:
Early-infantile DEE. Also called: Early infantile epileptic encephalopathy; Ohtahara syndrome; Early infantile epileptic encephalopathy with suppression bursts. Identifiers: Orphanet 1934, MedGen C0393706, MONDO:0800491.
Severe myoclonic epilepsy in infancy (DRVT). Also called: Epileptic encephalopathy, early infantile, 6 (Dravet syndrome); SEVERE MYOCLONIC EPILEPSY OF INFANCY; DEVELOPMENTAL AND EPILEPTIC ENCEPHALOPATHY 6A; Severe Myoclonic Epilepsy in Infancy (SMEI); Dravet syndrome. Identifiers: Orphanet 33069, MedGen C0751122, MONDO:0100135, OMIM 607208.

Submissions (2):

Labcorp Genetics (formerly Invitae), Labcorp
Classification: Pathogenic for Early-infantile DEE. Last evaluated: 2023-03-04. Review status: criteria provided, single submitter. Criteria: Invitae Variant Classification Sherloc (09022015). Collection method: clinical testing. Allele origin: germline.
Comment: This sequence change creates a premature translational stop signal (p.Lys1518Asnfs*21) in the SCN1A gene. It is expected to result in an absent or disrupted protein product. Loss-of-function variants in SCN1A are known to be pathogenic (PMID: 17347258, 18930999). This variant is not present in population databases (gnomAD no frequency). This premature translational stop signal has been observed in individual(s) with Dravet syndrome (PMID: 18930999, 26096185). In at least one individual the variant was observed to be de novo. ClinVar contains an entry for this variant (Variation ID: 189994). For these reasons, this variant has been classified as Pathogenic.

Center for Bioinformatics, Peking University
Classification: Pathogenic for Dravet syndrome. Last evaluated: 2014-12-20. Review status: criteria provided, single submitter. Criteria: Xu et al. (Hum Mutat. 2015). Collection method: research. Allele origin: de novo. Affected: yes. Observed: 1 variant allele. Study: University Clinical Cooperation “985 Project” PKU-2014-1-1.
Comment: Dravet syndrome (DS) probands were recruited from the outpatient and inpatient child neurology units of Peking University First Hospital from 2005 till present. The study was approved by the Ethics Committee of Peking University First Hospital and the Institutional Review Board at Peking University. Participants or their parents provided written informed consent before enrollment. We collected a total of 267 mutations from 255 families with probands diagnosed with DS in China. All probands fulfilled the clinical diagnostic criteria.

Literature cited by the submitters: PubMed 17347258 (cited by Labcorp Genetics (formerly Invitae), Labcorp); PubMed 18930999 (cited by Labcorp Genetics (formerly Invitae), Labcorp); PubMed 26096185 (cited by Labcorp Genetics (formerly Invitae), Labcorp).